The following is an entry in ClinVar:

NM_000179.3(MSH6):c.1188_1189del (p.Tyr397fs)

Gene: MSH6 (mutS homolog 6; plus strand). Cytogenetic location: 2p16.3.
Variant type: Microsatellite.
Coding change: c.1188_1189del on transcript NM_000179.3 (MANE Select); coding-DNA positions 1188 to 1189, 2 bases deleted (CT; older notation c.1188_1189delCT).
Protein change: p.Tyr397fs; shifts the reading frame from tyrosine 397.
Molecular consequence: frameshift variant.
Genome position (GRCh38, 1-based): chr2:47,799,171-47,799,172, CT deleted; deleting any 2 consecutive bases within chr2:47,799,169-47,799,172 gives the same sequence; the c. name uses the placement nearest the transcript's 3' end. VCF-style (leftmost placement, unchanged base first): chr2-47799168-ACT-A. GRCh37 (hg19) VCF-style: chr2-48026307-ACT-A.
Other names: c.1186_1187CT[1], p.Tyr397Cysfs (NM_001406800.1, NM_001406803.1, NM_001406808.1 and 5 more transcripts); c.889_890CT[1], p.Tyr298Cysfs (NM_001406801.1, NM_001406805.1, NM_001406818.1 and 10 more transcripts); c.1282_1283CT[1], p.Tyr429Cysfs (NM_001406802.1, NM_001406795.1); c.1108_1109CT[1], p.Tyr371Cysfs (NM_001406804.1); c.661_662CT[1], p.Tyr222Cysfs (NM_001406806.1, NM_001406807.1, NM_001406799.1); c.280_281CT[1], p.Tyr95Cysfs (NM_001406811.1, NM_001406812.1, NM_001406814.1 and 4 more transcripts); c.1192_1193CT[1], p.Tyr399Cysfs (NM_001406813.1); c.1018_1019CT[1], p.Tyr341Cysfs (NM_001406826.1); and 3 more; short protein forms Y267fs, Y397fs, Y95fs.
Identifiers: ClinVar variation 1743860 (VCV001743860.11), dbSNP rs2530595633, ClinGen allele CA2580611348.

ClinVar aggregate classification (germline): Pathogenic. Review status: criteria provided, multiple submitters, no conflicts (2 of 4 stars). 4 submissions from 4 submitters: Pathogenic (4). Last evaluated 2025-05-07.

Conditions:
Hereditary nonpolyposis colon cancer (HNPCC). Also called: Hereditary nonpolyposis colorectal cancer; Familial nonpolyposis colon cancer; Hereditary Nonpolyposis Colorectal Cancer Syndrome. Identifiers: Orphanet 443909, MedGen C1333990, MONDO:0018630. Disease mechanism: loss of function.
Hereditary nonpolyposis colorectal neoplasms. Identifiers: MedGen C0009405, MeSH D003123.
Hereditary cancer-predisposing syndrome. Also called: Hereditary Cancer Syndrome; Neoplastic Syndromes, Hereditary; Tumor predisposition; Hereditary neoplastic syndrome. Identifiers: Orphanet 140162, MedGen C0027672, MeSH D009386, MONDO:0015356.
Lynch syndrome 5 (LYNCH5). Also called: Colorectal cancer, hereditary nonpolyposis, type 5; Hereditary non-polyposis colorectal cancer, type 5. Identifiers: Orphanet 144, MedGen C1833477, MONDO:0013710, OMIM 614350. Disease mechanism: loss of function.

Submissions (4):

Ambry Genetics
Classification: Pathogenic for Hereditary cancer-predisposing syndrome. Last evaluated: 2025-05-07. Review status: criteria provided, single submitter. Criteria: Ambry Variant Classification Scheme 2023. Collection method: clinical testing. Allele origin: germline.
Comment: The c.1188_1189delCT pathogenic mutation, located in coding exon 4 of the MSH6 gene, results from a deletion of two nucleotides at nucleotide positions 1188 to 1189, causing a translational frameshift with a predicted alternate stop codon (p.Y397Cfs*3). This variant is considered to be rare based on population cohorts in the Genome Aggregation Database (gnomAD). This alteration is expected to result in loss of function by premature protein truncation or nonsense-mediated mRNA decay. As such, this alteration is interpreted as a disease-causing mutation.

Myriad Genetics, Inc.
Classification: Pathogenic for Lynch syndrome 5. Last evaluated: 2023-06-13. Review status: criteria provided, single submitter. Criteria: Myriad Autosomal Dominant, Autosomal Recessive and X-Linked Classification Criteria (2023). Collection method: clinical testing. Allele origin: unknown.
Comment: This variant is considered pathogenic. This variant creates a frameshift predicted to result in premature protein truncation.

Institute of Medical Genetics and Applied Genomics, University Hospital Tübingen
Classification: Pathogenic for Hereditary nonpolyposis colon cancer. Last evaluated: 2022-12-27. Review status: criteria provided, single submitter. Criteria: ACMG Guidelines, 2015. Collection method: clinical testing. Allele origin: germline. Inheritance: Autosomal dominant inheritance. Affected: yes.

Labcorp Genetics (formerly Invitae), Labcorp
Classification: Pathogenic for Hereditary nonpolyposis colorectal neoplasms. Last evaluated: 2022-08-23. Review status: criteria provided, single submitter. Criteria: Invitae Variant Classification Sherloc (09022015). Collection method: clinical testing. Allele origin: germline.
Comment: This sequence change creates a premature translational stop signal (p.Tyr397Cysfs*3) in the MSH6 gene. It is expected to result in an absent or disrupted protein product. Loss-of-function variants in MSH6 are known to be pathogenic (PMID: 18269114, 24362816). For these reasons, this variant has been classified as Pathogenic. This premature translational stop signal has been observed in individual(s) with clinical features of Lynch syndrome (PMID: 14974087, 15483016, 26681312). This variant is not present in population databases (gnomAD no frequency).

Literature cited by the submitters: PubMed 14974087 (cited by Ambry Genetics and Labcorp Genetics (formerly Invitae), Labcorp); PubMed 15483016 (cited by Ambry Genetics and Labcorp Genetics (formerly Invitae), Labcorp); PubMed 18301448 (cited by Ambry Genetics); PubMed 26681312 (cited by Ambry Genetics and Labcorp Genetics (formerly Invitae), Labcorp); PubMed 29345684 (cited by Ambry Genetics); PubMed 18269114 (cited by Labcorp Genetics (formerly Invitae), Labcorp); PubMed 24362816 (cited by Labcorp Genetics (formerly Invitae), Labcorp).